The following is an entry in ClinVar:

ClinVar aggregate classification (germline): Uncertain significance (1 of 4 stars; one submission).

Conditions:
Charcot-Marie-Tooth disease type 4. Also called: Charcot-Marie-Tooth, Type 4; Charcot-Marie-Tooth disease, type IV. Identifiers: Orphanet 64749, MedGen C4082197, MONDO:0018995.

Allele frequency attached by ClinVar (database versions not stated): gnomAD exomes below 0.00001; TOPMed below 0.00001.
gnomAD v4.1: 2 of 1,614,140 alleles (0.00012%); highest among the groups gnomAD compares: Non-Finnish European, 0.00017%; no homozygotes.

Submission:

Labcorp Genetics (formerly Invitae), Labcorp
Classification: Uncertain significance for Charcot-Marie-Tooth disease type 4. Last evaluated: 2021-04-09. Review status: criteria provided, single submitter. Criteria: Invitae Variant Classification Sherloc (09022015). Collection method: clinical testing. Allele origin: germline.
Comment: In summary, the available evidence is currently insufficient to determine the role of this variant in disease. Therefore, it has been classified as a Variant of Uncertain Significance. Advanced modeling of protein sequence and biophysical properties (such as structural, functional, and spatial information, amino acid conservation, physicochemical variation, residue mobility, and thermodynamic stability) performed at Invitae indicates that this missense variant is not expected to disrupt SH3TC2 protein function. This variant has not been reported in the literature in individuals with SH3TC2-related conditions. This variant is not present in population databases (ExAC no frequency). This sequence change replaces glutamic acid with lysine at codon 820 of the SH3TC2 protein (p.Glu820Lys). The glutamic acid residue is highly conserved and there is a small physicochemical difference between glutamic acid and lysine.

NM_024577.4(SH3TC2):c.2458G>A (p.Glu820Lys)

Gene: SH3TC2 (SH3 domain and tetratricopeptide repeats 2; minus strand). Cytogenetic location: 5q32.
Variant type: single nucleotide variant.
Coding change: c.2458G>A on transcript NM_024577.4 (MANE Select); coding-DNA position 2458, G replaced by A.
Protein change: p.Glu820Lys; replaces glutamic acid 820 with lysine.
Molecular consequence: missense variant.
Genome position (GRCh38, 1-based): chr5:149,027,274, C>T on the plus strand (G>A on the coding strand, the complement: SH3TC2 is on the minus strand). VCF-style: chr5-149027274-C-T. GRCh37 (hg19) VCF-style: chr5-148406837-C-T.
Other names: short protein forms E820K.
Identifiers: ClinVar variation 1479988 (VCV001479988.8), dbSNP rs1754083548, ClinGen allele CA361666323.